The following is an entry in ClinVar:

ClinVar aggregate classification (germline): Uncertain significance (1 of 4 stars; one submission).

Allele frequency attached by ClinVar (database versions not stated): gnomAD exomes below 0.00001.

Submission:

Labcorp Genetics (formerly Invitae), Labcorp
Classification: Uncertain significance. Last evaluated: 2023-08-09. Review status: criteria provided, single submitter. Criteria: Invitae Variant Classification Sherloc (09022015). Collection method: clinical testing. Allele origin: germline.
Comment: In summary, the available evidence is currently insufficient to determine the role of this variant in disease. Therefore, it has been classified as a Variant of Uncertain Significance. An algorithm developed to predict the effect of missense changes on protein structure and function (PolyPhen-2) suggests that this variant is likely to be disruptive. This variant has not been reported in the literature in individuals affected with CLCN6-related conditions. This variant is not present in population databases (gnomAD no frequency). This sequence change replaces asparagine, which is neutral and polar, with aspartic acid, which is acidic and polar, at codon 436 of the CLCN6 protein (p.Asn436Asp).

NM_001286.5(CLCN6):c.1306A>G (p.Asn436Asp)

Gene: CLCN6 (chloride voltage-gated channel 6; plus strand). Cytogenetic location: 1p36.22.
Variant type: single nucleotide variant.
Coding change: c.1306A>G on transcript NM_001286.5 (MANE Select); coding-DNA position 1306, A replaced by G.
Protein change: p.Asn436Asp; replaces asparagine 436 with aspartic acid.
Molecular consequence: missense variant. On other transcripts: non-coding transcript variant (1).
Genome position (GRCh38, 1-based): chr1:11,833,572, A>G. VCF-style: chr1-11833572-A-G. GRCh37 (hg19) VCF-style: chr1-11893629-A-G.
Other names: c.1240A>G, p.Asn414Asp (NM_001256959.2); short protein forms N414D, N436D.
Identifiers: ClinVar variation 2860981 (VCV002860981.3), dbSNP rs2523151226, ClinGen allele CA338434248.